The following is an entry in ClinVar:

NM_032444.4(SLX4):c.3946C>A (p.Pro1316Thr)

Gene: SLX4 (SLX4 structure-specific endonuclease subunit; minus strand). Cytogenetic location: 16p13.3.
Variant type: single nucleotide variant.
Coding change: c.3946C>A on transcript NM_032444.4 (MANE Select); coding-DNA position 3946, C replaced by A.
Protein change: p.Pro1316Thr; replaces proline 1316 with threonine.
Molecular consequence: missense variant.
Genome position (GRCh38, 1-based): chr16:3,589,692, G>T on the plus strand (C>A on the coding strand, the complement: SLX4 is on the minus strand). VCF-style: chr16-3589692-G-T. GRCh37 (hg19) VCF-style: chr16-3639693-G-T.
Other names: short protein forms P1316T.
Identifiers: ClinVar variation 2880040 (VCV002880040.3), dbSNP rs1567169511, ClinGen allele CA394518737.

ClinVar aggregate classification (germline): Uncertain significance (1 of 4 stars; one submission).

Conditions:
Fanconi anemia (FA). Also called: Fanconi's anemia. Identifiers: Orphanet 84, MedGen C0015625, MeSH D005199, MONDO:0019391.

Submission:

Labcorp Genetics (formerly Invitae), Labcorp
Classification: Uncertain significance for Fanconi anemia. Last evaluated: 2023-07-16. Review status: criteria provided, single submitter. Criteria: Invitae Variant Classification Sherloc (09022015). Collection method: clinical testing. Allele origin: germline.
Comment: In summary, the available evidence is currently insufficient to determine the role of this variant in disease. Therefore, it has been classified as a Variant of Uncertain Significance. An algorithm developed to predict the effect of missense changes on protein structure and function (PolyPhen-2) suggests that this variant is likely to be tolerated. This variant has not been reported in the literature in individuals affected with SLX4-related conditions. This variant is not present in population databases (gnomAD no frequency). This sequence change replaces proline, which is neutral and non-polar, with threonine, which is neutral and polar, at codon 1316 of the SLX4 protein (p.Pro1316Thr).